The following is an entry in ClinVar:

ClinVar aggregate classification (germline): Uncertain significance (1 of 4 stars; one submission).

gnomAD v4.1: 2 of 1,613,096 alleles (0.00012%); highest among the groups gnomAD compares: Admixed American, 0.0017%; no homozygotes.

Submission:

Labcorp Genetics (formerly Invitae), Labcorp
Classification: Uncertain significance. Last evaluated: 2023-05-23. Review status: criteria provided, single submitter. Criteria: Invitae Variant Classification Sherloc (09022015). Collection method: clinical testing. Allele origin: germline.
Comment: This variant is present in population databases (no rsID available, gnomAD 0.003%). This variant has not been reported in the literature in individuals affected with XPC-related conditions. An algorithm developed to predict the effect of missense changes on protein structure and function (PolyPhen-2) suggests that this variant is likely to be tolerated. In summary, the available evidence is currently insufficient to determine the role of this variant in disease. Therefore, it has been classified as a Variant of Uncertain Significance. This sequence change replaces arginine, which is basic and polar, with glycine, which is neutral and non-polar, at codon 5 of the XPC protein (p.Arg5Gly).

NM_004628.5(XPC):c.13C>G (p.Arg5Gly)

Genes: XPC (XPC complex subunit, DNA damage recognition and repair factor; minus strand), LOC129936244 (ATAC-STARR-seq lymphoblastoid active region 19500; plus strand). Cytogenetic location: 3p25.1.
Variant type: single nucleotide variant.
Coding change: c.13C>G on transcript NM_004628.5 (MANE Select); coding-DNA position 13, C replaced by G.
Protein change: p.Arg5Gly; replaces arginine 5 with glycine.
Molecular consequence: missense variant. On other transcripts: 5 prime UTR variant (1), non-coding transcript variant (2).
Genome position (GRCh38, 1-based): chr3:14,178,556, G>C on the plus strand (C>G on the coding strand, the complement: XPC is on the minus strand). VCF-style: chr3-14178556-G-C. GRCh37 (hg19) VCF-style: chr3-14220056-G-C.
Other names: c.-443C>G (NM_001354726.2); c.13C>G, p.Arg5Gly (NM_001354727.2, NM_001354729.2, NM_001354730.2); short protein forms R5G.
Identifiers: ClinVar variation 2895860 (VCV002895860.3), dbSNP rs1011569158, ClinGen allele CA351543926.
Genomic context (GRCh38, chr3:14,178,556, plus strand): 5'-TCTTGGCCTTGGATTTCTGGCTGCGCAGTTCGCGTCCCCGCGGCTCCCCGCCGGCCGCGC[G>C]TTTCCGAGCCATGTTGCTTGTCTGGGCAAATTCCACTTCGCGAGTGACGCACCCGGCCGC-3'
Protein context (NP_004619.3, residues 1-15): MARK[Arg5Gly]AAGGEPRGRE